The following is an entry in ClinVar:

NM_016222.4(DDX41):c.919A>G (p.Met307Val)

Gene: DDX41 (DEAD-box helicase 41; minus strand). Cytogenetic location: 5q35.3.
Variant type: single nucleotide variant.
Coding change: c.919A>G on transcript NM_016222.4 (MANE Select); coding-DNA position 919, A replaced by G.
Protein change: p.Met307Val; replaces methionine 307 with valine.
Molecular consequence: missense variant.
Genome position (GRCh38, 1-based): chr5:177,514,717, T>C on the plus strand (A>G on the coding strand, the complement: DDX41 is on the minus strand). VCF-style: chr5-177514717-T-C. GRCh37 (hg19) VCF-style: chr5-176941718-T-C.
Other names: c.541A>G, p.Met181Val (NM_001321732.2, NM_001321830.2); c.919A>G (NM_016222.2); short protein forms M181V, M307V.
Identifiers: ClinVar variation 2787447 (VCV002787447.4), dbSNP rs1761139933, ClinGen allele CA362374670.

ClinVar aggregate classification (germline): Uncertain significance. Review status: criteria provided, multiple submitters, no conflicts (2 of 4 stars). 2 submissions from 2 submitters: Uncertain significance (2). Last evaluated 2025-07-03.

Conditions:
Inborn genetic diseases. Identifiers: MedGen C0950123, MeSH D030342.

Allele frequency attached by ClinVar (database versions not stated): TOPMed below 0.00001.

Submissions (2):

Ambry Genetics
Classification: Uncertain significance for Inborn genetic diseases. Last evaluated: 2025-07-03. Review status: criteria provided, single submitter. Criteria: Ambry Variant Classification Scheme 2023. Collection method: clinical testing. Allele origin: germline.
Comment: The p.M307V variant (also known as c.919A>G), located in coding exon 9 of the DDX41 gene, results from an A to G substitution at nucleotide position 919. The methionine at codon 307 is replaced by valine, an amino acid with highly similar properties. This amino acid position is conserved. In addition, this alteration is predicted to be tolerated by in silico analysis. Based on the available evidence, the clinical significance of this variant remains unclear.

Labcorp Genetics (formerly Invitae), Labcorp
Classification: Uncertain significance. Last evaluated: 2022-11-04. Review status: criteria provided, single submitter. Criteria: Invitae Variant Classification Sherloc (09022015). Collection method: clinical testing. Allele origin: germline.
Comment: This sequence change replaces methionine, which is neutral and non-polar, with valine, which is neutral and non-polar, at codon 307 of the DDX41 protein (p.Met307Val). This variant is not present in population databases (gnomAD no frequency). This variant has not been reported in the literature in individuals affected with DDX41-related conditions. Algorithms developed to predict the effect of missense changes on protein structure and function are either unavailable or do not agree on the potential impact of this missense change (SIFT: "Not Available"; PolyPhen-2: "Benign"; Align-GVGD: "Not Available"). In summary, the available evidence is currently insufficient to determine the role of this variant in disease. Therefore, it has been classified as a Variant of Uncertain Significance.